The following is an entry in ClinVar:

ClinVar aggregate classification (germline): Uncertain significance (1 of 4 stars; one submission).

Conditions:
Intellectual developmental disorder 61. Also called: INTELLECTUAL DEVELOPMENTAL DISORDER, AUTOSOMAL DOMINANT 61; MENTAL RETARDATION, AUTOSOMAL DOMINANT 61. Identifiers: MedGen C5231400, MONDO:0032485, OMIM 618009.

Submission:

MVZ Medizinische Genetik Mainz
Classification: Uncertain significance for Intellectual developmental disorder 61. Last evaluated: 2022-08-09. Review status: criteria provided, single submitter. Criteria: UK Practice Guidelines For Variant Classification V4 01 2020. Collection method: clinical testing. Allele origin: germline. Inheritance: Autosomal dominant inheritance. Affected: yes. Observed: 1 variant allele.
Comment: PM2_SUP, PP3 (ACMG Version 3)

NM_005121.3(MED13):c.3573G>T (p.Leu1191Phe)

Gene: MED13 (mediator complex subunit 13; minus strand). Cytogenetic location: 17q23.2.
Variant type: single nucleotide variant.
Coding change: c.3573G>T on transcript NM_005121.3 (MANE Select); coding-DNA position 3573, G replaced by T.
Protein change: p.Leu1191Phe; replaces leucine 1191 with phenylalanine.
Molecular consequence: missense variant.
Genome position (GRCh38, 1-based): chr17:61,982,430, C>A on the plus strand (G>T on the coding strand, the complement: MED13 is on the minus strand). VCF-style: chr17-61982430-C-A. GRCh37 (hg19) VCF-style: chr17-60059791-C-A.
Other names: short protein forms L1191F.
Identifiers: ClinVar variation 3061878 (VCV003061878.1), dbSNP rs1603396689, ClinGen allele CA400503224.